The following is an entry in ClinVar:

ClinVar aggregate classification (germline): Uncertain significance (1 of 4 stars; one submission).

Conditions:
Inborn genetic diseases. Identifiers: MedGen C0950123, MeSH D030342.

Allele frequency attached by ClinVar (database versions not stated): TOPMed below 0.00001.

Submission:

Ambry Genetics
Classification: Uncertain significance for Inborn genetic diseases. Last evaluated: 2024-01-10. Review status: criteria provided, single submitter. Criteria: Ambry Variant Classification Scheme 2023. Collection method: clinical testing. Allele origin: germline.
Comment: The c.2564C>T (p.T855I) alteration is located in exon 13 (coding exon 13) of the DSCAM gene. This alteration results from a C to T substitution at nucleotide position 2564, causing the threonine (T) at amino acid position 855 to be replaced by an isoleucine (I). This variant was not reported in population-based cohorts in the Genome Aggregation Database (gnomAD). This amino acid position is well conserved in available vertebrate species. This alteration is predicted to be deleterious by in silico analysis. Based on insufficient or conflicting evidence, the clinical significance of this alteration remains unclear.

NM_001389.5(DSCAM):c.2564C>T (p.Thr855Ile)

Gene: DSCAM (DS cell adhesion molecule; minus strand). Cytogenetic location: 21q22.2.
Variant type: single nucleotide variant.
Coding change: c.2564C>T on transcript NM_001389.5 (MANE Select); coding-DNA position 2564, C replaced by T.
Protein change: p.Thr855Ile; replaces threonine 855 with isoleucine.
Molecular consequence: missense variant. On other transcripts: non-coding transcript variant (1).
Genome position (GRCh38, 1-based): chr21:40,187,977, G>A on the plus strand (C>T on the coding strand, the complement: DSCAM is on the minus strand). VCF-style: chr21-40187977-G-A. GRCh37 (hg19) VCF-style: chr21-41559904-G-A.
Other names: c.2564C>T, p.Thr855Ile (NM_001271534.3, NM_206887.1); short protein forms T855I.
Identifiers: ClinVar variation 3085877 (VCV003085877.1), dbSNP rs758131632, ClinGen allele CA410593891.